The following is an entry in ClinVar:

ClinVar aggregate classification (germline): Pathogenic (1 of 4 stars; one submission).

Conditions:
Inborn genetic diseases. Identifiers: MedGen C0950123, MeSH D030342.

Submission:

Ambry Genetics
Classification: Pathogenic for Inborn genetic diseases. Last evaluated: 2026-01-13. Review status: criteria provided, single submitter. Criteria: Ambry Variant Classification Scheme 2023. Collection method: clinical testing. Allele origin: germline.
Comment: The c.13461C>A (p.C4487*) alteration, located in exon 52 (coding exon 52) of the KMT2C gene, consists of a C to A substitution at nucleotide position 13461. This changes the amino acid from a cysteine (C) to a stop codon at amino acid position 4487. This alteration is expected to result in loss of function by premature protein truncation or nonsense-mediated mRNA decay. This variant was not reported in population-based cohorts in the Genome Aggregation Database (gnomAD). Based on the available evidence, this alteration is classified as pathogenic.

NM_170606.3(KMT2C):c.13461C>A (p.Cys4487Ter)

Gene: KMT2C (lysine methyltransferase 2C; minus strand). Cytogenetic location: 7q36.1.
Variant type: single nucleotide variant.
Coding change: c.13461C>A on transcript NM_170606.3 (MANE Select); coding-DNA position 13461, C replaced by A.
Protein change: p.Cys4487Ter; replaces cysteine 4487 with a stop codon.
Molecular consequence: nonsense.
Genome position (GRCh38, 1-based): chr7:152,148,466, G>T on the plus strand (C>A on the coding strand, the complement: KMT2C is on the minus strand). VCF-style: chr7-152148466-G-T. GRCh37 (hg19) VCF-style: chr7-151845551-G-T.
Other names: short protein forms C4487*.
Identifiers: ClinVar variation 4838738 (VCV004838738.1).